The following is an entry in ClinVar:

NM_000085.5(CLCNKB):c.1183_1184dup (p.Phe396fs)

Genes: CLCNKB (chloride voltage-gated channel Kb; plus strand), LOC106501713 (CLCNKB recombination region; plus strand). Cytogenetic location: 1p36.13.
Variant type: Microsatellite.
Coding change: c.1183_1184dup on transcript NM_000085.5 (MANE Select); coding-DNA positions 1183 to 1184, 2 bases duplicated (CG; older notation c.1183_1184dupCG).
Protein change: p.Phe396fs; shifts the reading frame from phenylalanine 396.
Molecular consequence: frameshift variant.
Genome position (GRCh38, 1-based): chr1:16,051,004-16,051,005, CG duplicated; duplicating any 2 consecutive bases within chr1:16,051,002-16,051,005 gives the same sequence; the c. name uses the placement nearest the transcript's 3' end. VCF-style (leftmost placement, unchanged base first): chr1-16051001-C-CCG. GRCh37 (hg19) VCF-style: chr1-16377496-C-CCG.
Other names: c.676_677dup, p.Phe227fs (NM_001165945.2); short protein forms F227fs, F396fs.
Identifiers: ClinVar variation 1917648 (VCV001917648.5), dbSNP rs1461422008, ClinGen allele CA338640900.
Genomic context (GRCh38, chr1:16,051,001, plus strand): 5'-TCCAGCCCACCCTGGCCCGAGGAGCTCGACCCCCAGCACCTGTGGTGGGAATGGTACCAC[C>CCG]CGCGGTTCACCATCTTTGGGACCCTTGCCTTCTTCCTGGTTATGAAGGTGGGCCCCCTGG-3'

ClinVar aggregate classification (germline): Pathogenic (1 of 4 stars; one submission).

Submission:

Labcorp Genetics (formerly Invitae), Labcorp
Classification: Pathogenic. Last evaluated: 2022-08-06. Review status: criteria provided, single submitter. Criteria: Invitae Variant Classification Sherloc (09022015). Collection method: clinical testing. Allele origin: germline.
Comment: This variant has not been reported in the literature in individuals affected with CLCNKB-related conditions. For these reasons, this variant has been classified as Pathogenic. This variant is not present in population databases (gnomAD no frequency). This sequence change creates a premature translational stop signal (p.Phe396Glyfs*14) in the CLCNKB gene. It is expected to result in an absent or disrupted protein product. Loss-of-function variants in CLCNKB are known to be pathogenic (PMID: 24830959, 26920127, 28381550, 29254190).

Literature cited by the submitters: PubMed 24830959; PubMed 26920127; PubMed 28381550; PubMed 29254190.